The following is an entry in ClinVar:

ClinVar aggregate classification (germline): Uncertain significance (1 of 4 stars; one submission).

Allele frequency attached by ClinVar (database versions not stated): gnomAD exomes below 0.00001.
gnomAD v4.1: 1 of 1,569,986 alleles (0.000064%); highest among the groups gnomAD compares: Non-Finnish European, 0.000088%; no homozygotes.

Submission:

Labcorp Genetics (formerly Invitae), Labcorp
Classification: Uncertain significance. Last evaluated: 2022-11-23. Review status: criteria provided, single submitter. Criteria: Invitae Variant Classification Sherloc (09022015). Collection method: clinical testing. Allele origin: germline.
Comment: This variant has not been reported in the literature in individuals affected with POMP-related conditions. This sequence change falls in intron 5 of the POMP gene. It does not directly change the encoded amino acid sequence of the POMP protein. It affects a nucleotide within the consensus splice site. This variant is not present in population databases (gnomAD no frequency). Variants that disrupt the consensus splice site are a relatively common cause of aberrant splicing (PMID: 17576681, 9536098). Algorithms developed to predict the effect of sequence changes on RNA splicing suggest that this variant may disrupt the consensus splice site. In summary, the available evidence is currently insufficient to determine the role of this variant in disease. Therefore, it has been classified as a Variant of Uncertain Significance.

Literature cited by the submitters: PubMed 17576681; PubMed 9536098.

NM_015932.6(POMP):c.358+5G>A

Gene: POMP (proteasome maturation protein; plus strand). Cytogenetic location: 13q12.3.
Variant type: single nucleotide variant.
Coding change: c.358+5G>A on transcript NM_015932.6 (MANE Select); 5 bases into the intron after coding-DNA position 358, G replaced by A.
Molecular consequence: intron variant.
Genome position (GRCh38, 1-based): chr13:28,672,437, G>A. VCF-style: chr13-28672437-G-A. GRCh37 (hg19) VCF-style: chr13-29246574-G-A.
Identifiers: ClinVar variation 2815883 (VCV002815883.3), dbSNP rs2541640700, ClinGen allele CA2622507748.